The following is an entry in ClinVar:

NM_017950.4(CCDC40):c.691G>A (p.Val231Met)

Gene: CCDC40 (coiled-coil domain 40 molecular ruler complex subunit; plus strand). Cytogenetic location: 17q25.3.
Variant type: single nucleotide variant.
Coding change: c.691G>A on transcript NM_017950.4 (MANE Select); coding-DNA position 691, G replaced by A.
Protein change: p.Val231Met; replaces valine 231 with methionine.
Molecular consequence: missense variant.
Genome position (GRCh38, 1-based): chr17:80,048,597, G>A. VCF-style: chr17-80048597-G-A. GRCh37 (hg19) VCF-style: chr17-78022396-G-A.
Other names: c.691G>A, p.Val231Met (NM_001243342.2, NM_001330508.2); short protein forms V231M.
Identifiers: ClinVar variation 1898449 (VCV001898449.5), dbSNP rs2037491545, ClinGen allele CA401353502.
Genomic context (GRCh38, chr17:80,048,597, plus strand): 5'-CTTCTCTCCAGCAGCTCCTCAATGGTGTCGCTGTCTCTCCCCCCAGTGATCCCCCCAGGG[G>A]TGCCCGATGCCCACCCCAGGGAAGGAGACCTGCCAGTGTTCCAGGACCAGATCCAGCAGC-3'
Protein context (NP_060420.2, residues 221-241): VSQEPVIPPG[Val231Met]PDAHPREGDL

ClinVar aggregate classification (germline): Uncertain significance (1 of 4 stars; one submission).

Conditions:
Primary ciliary dyskinesia. Also called: Ciliary dyskinesia. Identifiers: Orphanet 244, MedGen C0008780, MONDO:0016575, HP:0012265.

Submission:

Labcorp Genetics (formerly Invitae), Labcorp
Classification: Uncertain significance for Primary ciliary dyskinesia. Last evaluated: 2022-05-15. Review status: criteria provided, single submitter. Criteria: Invitae Variant Classification Sherloc (09022015). Collection method: clinical testing. Allele origin: germline.
Comment: This variant is not present in population databases (gnomAD no frequency). In summary, the available evidence is currently insufficient to determine the role of this variant in disease. Therefore, it has been classified as a Variant of Uncertain Significance. Algorithms developed to predict the effect of missense changes on protein structure and function (SIFT, PolyPhen-2, Align-GVGD) all suggest that this variant is likely to be tolerated. This variant has not been reported in the literature in individuals affected with CCDC40-related conditions. This sequence change replaces valine, which is neutral and non-polar, with methionine, which is neutral and non-polar, at codon 231 of the CCDC40 protein (p.Val231Met).